The following is an entry in ClinVar:

NM_020461.4(TUBGCP6):c.2495C>T (p.Pro832Leu)

Gene: TUBGCP6 (tubulin gamma complex component 6; minus strand). Cytogenetic location: 22q13.33.
Variant type: single nucleotide variant.
Coding change: c.2495C>T on transcript NM_020461.4 (MANE Select); coding-DNA position 2495, C replaced by T.
Protein change: p.Pro832Leu; replaces proline 832 with leucine.
Molecular consequence: missense variant.
Genome position (GRCh38, 1-based): chr22:50,221,864, G>A on the plus strand (C>T on the coding strand, the complement: TUBGCP6 is on the minus strand). VCF-style: chr22-50221864-G-A. GRCh37 (hg19) VCF-style: chr22-50660293-G-A.
Other names: c.2495C>T (NM_020461.3); short protein forms P832L.
Identifiers: ClinVar variation 1918091 (VCV001918091.5), dbSNP rs369335591, ClinGen allele CA10308176.

ClinVar aggregate classification (germline): Conflicting classifications of pathogenicity. Review status: criteria provided, conflicting classifications (1 of 4 stars). 3 submissions from 3 submitters: Uncertain significance (1); Likely benign (2). Last evaluated 2024-11-18.

Conditions:
Inborn genetic diseases. Identifiers: MedGen C0950123, MeSH D030342.

Allele frequency attached by ClinVar (database versions not stated): ExAC 0.00005; gnomAD 0.00009; TOPMed 0.00010; ESP Exome Variant Server 0.00015; 1000 Genomes Project 30x 0.00016; 1000 Genomes Project 0.00020.
gnomAD v4.1: 35 of 1,512,962 alleles (0.0023%); highest among the groups gnomAD compares: African/African-American, 0.035%; no homozygotes.

Submissions (3):

Labcorp Genetics (formerly Invitae), Labcorp
Classification: Uncertain significance. Last evaluated: 2024-11-18. Review status: criteria provided, single submitter. Criteria: Invitae Variant Classification Sherloc (09022015). Collection method: clinical testing. Allele origin: germline.
Comment: This sequence change replaces proline, which is neutral and non-polar, with leucine, which is neutral and non-polar, at codon 832 of the TUBGCP6 protein (p.Pro832Leu). This variant is present in population databases (rs369335591, gnomAD 0.05%). This variant has not been reported in the literature in individuals affected with TUBGCP6-related conditions. ClinVar contains an entry for this variant (Variation ID: 1918091). An algorithm developed to predict the effect of missense changes on protein structure and function outputs the following: PolyPhen-2: "Benign". The leucine amino acid residue is found in multiple mammalian species, which suggests that this missense change does not adversely affect protein function. In summary, the available evidence is currently insufficient to determine the role of this variant in disease. Therefore, it has been classified as a Variant of Uncertain Significance.

Ambry Genetics
Classification: Likely benign for Inborn genetic diseases. Last evaluated: 2024-09-11. Review status: criteria provided, single submitter. Criteria: Ambry Variant Classification Scheme 2023. Collection method: clinical testing. Allele origin: germline.

Blueprint Genetics
Classification: Likely benign. Last evaluated: 2024-03-19. Review status: criteria provided, single submitter. Criteria: ACMG Guidelines, 2015. Collection method: clinical testing. Allele origin: germline.